The following is an entry in ClinVar:

ClinVar aggregate classification (germline): Conflicting classifications of pathogenicity. Review status: criteria provided, conflicting classifications (1 of 4 stars). 2 submissions from 2 submitters: Uncertain significance (1); Likely benign (1). Last evaluated 2023-03-23.

Conditions:
Hereditary cancer-predisposing syndrome. Also called: Tumor predisposition; Neoplastic Syndromes, Hereditary; Hereditary Cancer Syndrome; Hereditary neoplastic syndrome. Identifiers: Orphanet 140162, MedGen C0027672, MeSH D009386, MONDO:0015356.
Hereditary breast ovarian cancer syndrome. Also called: BRCA1- and BRCA2-Associated Hereditary Breast and Ovarian Cancer; Hereditary breast and/or ovarian cancer syndrome; Hereditary breast and ovarian cancer syndrome; Hereditary breast and ovarian cancer syndrome (HBOC); Breast and ovarian cancer; Hereditary breast and ovarian cancer. Identifiers: Orphanet 145, MedGen C0677776, MeSH D061325, MONDO:0003582. Disease mechanism: loss of function.

Submissions (2):

University of Washington Department of Laboratory Medicine, University of Washington
Classification: Likely benign for Hereditary cancer-predisposing syndrome. Last evaluated: 2023-03-23. Review status: criteria provided, single submitter. Criteria: Dines et al. (Genet Med. 2020). Collection method: curation. Allele origin: germline.
Comment: Missense variant in a coldspot region where missense variants are very unlikely to be pathogenic (PMID:31911673).

BRCA2 exon 10 coldspot. Reclassification based on statistical prior probability.

Labcorp Genetics (formerly Invitae), Labcorp
Classification: Uncertain significance for Hereditary breast ovarian cancer syndrome. Last evaluated: 2022-05-04. Review status: criteria provided, single submitter. Criteria: Invitae Variant Classification Sherloc (09022015). Collection method: clinical testing. Allele origin: germline.
Comment: In summary, the available evidence is currently insufficient to determine the role of this variant in disease. Therefore, it has been classified as a Variant of Uncertain Significance. Advanced modeling of protein sequence and biophysical properties (such as structural, functional, and spatial information, amino acid conservation, physicochemical variation, residue mobility, and thermodynamic stability) performed at Invitae indicates that this missense variant is not expected to disrupt BRCA2 protein function. This variant has not been reported in the literature in individuals affected with BRCA2-related conditions. This variant is not present in population databases (gnomAD no frequency). This sequence change replaces serine, which is neutral and polar, with alanine, which is neutral and non-polar, at codon 418 of the BRCA2 protein (p.Ser418Ala).

NM_000059.4(BRCA2):c.1252T>G (p.Ser418Ala)

Gene: BRCA2 (BRCA2 DNA repair associated; plus strand). Cytogenetic location: 13q13.1.
Variant type: single nucleotide variant.
Coding change: c.1252T>G on transcript NM_000059.4 (MANE Select); coding-DNA position 1252, T replaced by G.
Protein change: p.Ser418Ala; replaces serine 418 with alanine.
Molecular consequence: missense variant.
Genome position (GRCh38, 1-based): chr13:32,332,730, T>G. VCF-style: chr13-32332730-T-G. GRCh37 (hg19) VCF-style: chr13-32906867-T-G.
Other names: c.1252T>G, p.Ser418Ala (NM_001406719.1, NM_001406720.1, NM_001406721.1); short protein forms S418A.
Identifiers: ClinVar variation 2084614 (VCV002084614.6), dbSNP rs2072407631, ClinGen allele CA387762284.